The following is an entry in ClinVar:

ClinVar aggregate classification (germline): Uncertain significance (1 of 4 stars; one submission).

gnomAD v4.1: 18 of 1,610,462 alleles (0.0011%); highest among the groups gnomAD compares: Non-Finnish European, 0.0015%; no homozygotes.

Submission:

Labcorp Genetics (formerly Invitae), Labcorp
Classification: Uncertain significance. Last evaluated: 2024-03-12. Review status: criteria provided, single submitter. Criteria: Invitae Variant Classification Sherloc (09022015). Collection method: clinical testing. Allele origin: germline.
Comment: This sequence change replaces glutamine, which is neutral and polar, with proline, which is neutral and non-polar, at codon 512 of the STAG1 protein (p.Gln512Pro). The frequency data for this variant in the population databases is considered unreliable, as metrics indicate poor data quality at this position in the gnomAD database. This variant has not been reported in the literature in individuals affected with STAG1-related conditions. Advanced modeling of protein sequence and biophysical properties (such as structural, functional, and spatial information, amino acid conservation, physicochemical variation, residue mobility, and thermodynamic stability) performed at Invitae indicates that this missense variant is not expected to disrupt STAG1 protein function with a negative predictive value of 80%. In summary, the available evidence is currently insufficient to determine the role of this variant in disease. Therefore, it has been classified as a Variant of Uncertain Significance.

NM_005862.3(STAG1):c.1535A>C (p.Gln512Pro)

Gene: STAG1 (STAG1 cohesin complex component; minus strand). Cytogenetic location: 3q22.3.
Variant type: single nucleotide variant.
Coding change: c.1535A>C on transcript NM_005862.3 (MANE Select); coding-DNA position 1535, A replaced by C.
Protein change: p.Gln512Pro; replaces glutamine 512 with proline.
Molecular consequence: missense variant.
Genome position (GRCh38, 1-based): chr3:136,443,298, T>G on the plus strand (A>C on the coding strand, the complement: STAG1 is on the minus strand). VCF-style: chr3-136443298-T-G. GRCh37 (hg19) VCF-style: chr3-136162140-T-G.
Other names: short protein forms Q512P.
Identifiers: ClinVar variation 3700351 (VCV003700351.2).